The following is an entry in ClinVar:

ClinVar aggregate classification (germline): Uncertain significance (1 of 4 stars; one submission).

Conditions:
Yoon-Bellen neurodevelopmental syndrome (YOBELN). Identifiers: MedGen C5562066, MONDO:0859221, OMIM 619701.

gnomAD v4.1: 127 of 1,610,632 alleles (0.0079%); highest among the groups gnomAD compares: East Asian, 0.27%; no homozygotes.

Submission:

3billion
Classification: Uncertain significance for Yoon-Bellen neurodevelopmental syndrome. Last evaluated: 2024-07-31. Review status: criteria provided, single submitter. Criteria: ACMG Guidelines, 2015. Collection method: clinical testing. Allele origin: germline. Affected: yes.
Comment: The variant is observed at an extremely low frequency in the gnomAD v4.0.0 dataset (total allele frequency: 0.008%). Predicted Consequence/Location: Intron variant In silico tools prediction of the variant to alter splicing and produce an abnormal transcript is uncertain [SpliceAI: 0.11 (spliceogenicity >=0.2, non-spliceogenicity <0.1)]. Therefore, this variant is classified as VUS according to the recommendation of ACMG/AMP guideline.

NM_018245.3(OGDHL):c.1861+14A>T

Gene: OGDHL (oxoglutarate dehydrogenase L; minus strand). Cytogenetic location: 10q11.23.
Variant type: single nucleotide variant.
Coding change: c.1861+14A>T on transcript NM_018245.3 (MANE Select); 14 bases into the intron after coding-DNA position 1861, A replaced by T.
Molecular consequence: intron variant.
Genome position (GRCh38, 1-based): chr10:49,743,980, T>A on the plus strand (A>T on the coding strand, the complement: OGDHL is on the minus strand). VCF-style: chr10-49743980-T-A. GRCh37 (hg19) VCF-style: chr10-50952026-T-A.
Other names: c.1234+14A>T (NM_001347822.1, NM_001143997.2, NM_001347821.2); c.1690+14A>T (NM_001347820.1, NM_001143996.2); c.664+14A>T (NM_001347826.1); c.1681+14A>T (NM_001347823.1, NM_001347824.2); c.1054+14A>T (NM_001347825.2); c.1861+14A>T (NM_001347819.1).
Identifiers: ClinVar variation 4072285 (VCV004072285.1).
Genomic context (GRCh38, chr10:49,743,980, plus strand): 5'-AACCAATCTCCCTTCGAGGCACAGTGTTGGGGTGGGGCCAGCAGCCTGGGCTGCAGCCTG[T>A]CCAGCAACCTCACCAGTGTGGATCTTAAAGTCCTCCAGGGGCACAGAGCTGGCCACACTG-3'